The following is an entry in ClinVar:

ClinVar aggregate classification (germline): Uncertain significance (1 of 4 stars; one submission).

Conditions:
Myoclonic dystonia 11 (DYT11). Also called: DYT-SGCE; Myoclonic dystonia; Dystonia 11; Dystonia, alcohol responsive; Hereditary essential myoclonus; SGCE Myoclonus-Dystonia. Identifiers: Orphanet 36899, MedGen C1834570, MONDO:0008044, OMIM 159900.

Allele frequency attached by ClinVar (database versions not stated): gnomAD exomes below 0.00001.
gnomAD v4.1: 2 of 1,613,426 alleles (0.00012%); highest among the groups gnomAD compares: Non-Finnish European, 0.00017%; no homozygotes.

Submission:

Labcorp Genetics (formerly Invitae), Labcorp
Classification: Uncertain significance for Myoclonic dystonia 11. Last evaluated: 2020-07-02. Review status: criteria provided, single submitter. Criteria: Invitae Variant Classification Sherloc (09022015). Collection method: clinical testing. Allele origin: germline.
Comment: This variant is not present in population databases (ExAC no frequency). In summary, the available evidence is currently insufficient to determine the role of this variant in disease. Therefore, it has been classified as a Variant of Uncertain Significance. Algorithms developed to predict the effect of missense changes on protein structure and function are either unavailable or do not agree on the potential impact of this missense change (SIFT: "Tolerated"; PolyPhen-2: "Probably Damaging"; Align-GVGD: "Class C0"). This variant has not been reported in the literature in individuals with SGCE-related conditions. This sequence change replaces proline with serine at codon 400 of the SGCE protein (p.Pro400Ser). The proline residue is moderately conserved and there is a moderate physicochemical difference between proline and serine.

NM_003919.3(SGCE):c.1198C>T (p.Pro400Ser)

Genes: CASD1 (CAS1 domain sialic acid O acetyltransferase 1; plus strand), SGCE (sarcoglycan epsilon; minus strand). Cytogenetic location: 7q21.3.
Variant type: single nucleotide variant.
Coding change: c.1198C>T on transcript NM_003919.3 (MANE Select); coding-DNA position 1198, C replaced by T.
Protein change: p.Pro400Ser; replaces proline 400 with serine.
Molecular consequence: missense variant.
Genome position (GRCh38, 1-based): chr7:94,598,830, G>A on the plus strand (C>T on the coding strand, the complement: SGCE is on the minus strand). VCF-style: chr7-94598830-G-A. GRCh37 (hg19) VCF-style: chr7-94228142-G-A.
Other names: c.1171C>T, p.Pro391Ser (NM_001099400.2, NM_001346717.2); c.1198C>T, p.Pro400Ser (NM_001099401.2); c.1075C>T, p.Pro359Ser (NM_001301139.2); c.1306C>T, p.Pro436Ser (NM_001346713.2); c.1279C>T, p.Pro427Ser (NM_001346715.2); c.1111C>T, p.Pro371Ser (NM_001346719.2); c.925C>T, p.Pro309Ser (NM_001346720.2); c.1084C>T, p.Pro362Ser (NM_001362807.2); and 2 more; short protein forms P300S, P309S, P350S, P359S, P362S, P371S, P391S, P400S.
Identifiers: ClinVar variation 1059320 (VCV001059320.9), dbSNP rs2116674435, ClinGen allele CA368228928.